The following is an entry in ClinVar:

NM_001211.6(BUB1B):c.971G>A (p.Arg324His)

Gene: BUB1B (BUB1 mitotic checkpoint serine/threonine kinase B; plus strand). Cytogenetic location: 15q15.1.
Variant type: single nucleotide variant.
Coding change: c.971G>A on transcript NM_001211.6 (MANE Select); coding-DNA position 971, G replaced by A.
Protein change: p.Arg324His; replaces arginine 324 with histidine.
Molecular consequence: missense variant.
Genome position (GRCh38, 1-based): chr15:40,185,555, G>A. VCF-style: chr15-40185555-G-A. GRCh37 (hg19) VCF-style: chr15-40477756-G-A.
Other names: short protein forms R324H.
Identifiers: ClinVar variation 1767972 (VCV001767972.4), dbSNP rs777880062, ClinGen allele CA7475619.
Genomic context (GRCh38, chr15:40,185,555, plus strand): 5'-TATGCTGTCTGAGAACATAAAACTATGGTAATTTTAGTTTTCTTCTTCATCTCCAGCCTC[G>A]TGGCAATACAGCTTCACTGATAGCTGTACCCGCTGTGCTTCCCAGTTTCACTCCATATGT-3'
Protein context (NP_001202.5, residues 314-334): NTGRSLEHRP[Arg324His]GNTASLIAVP

ClinVar aggregate classification (germline): Conflicting classifications of pathogenicity. Review status: criteria provided, conflicting classifications (1 of 4 stars). 2 submissions from 2 submitters: Uncertain significance (1); Likely benign (1). Last evaluated 2024-08-14.

Conditions:
Inborn genetic diseases. Identifiers: MedGen C0950123, MeSH D030342.
Mosaic variegated aneuploidy syndrome 1 (MVA1). Also called: Warburton-Anyane-Yeboa syndrome. Identifiers: Orphanet 1052, MedGen C1850343, MONDO:0009759, OMIM 257300.

Allele frequency attached by ClinVar (database versions not stated): gnomAD exomes below 0.00001; ExAC 0.00002.
gnomAD v4.1: 8 of 1,614,034 alleles (0.0005%); highest among the groups gnomAD compares: East Asian, 0.0022%; no homozygotes.

Submissions (2):

Labcorp Genetics (formerly Invitae), Labcorp
Classification: Uncertain significance for Mosaic variegated aneuploidy syndrome 1. Last evaluated: 2024-08-14. Review status: criteria provided, single submitter. Criteria: Invitae Variant Classification Sherloc (09022015). Collection method: clinical testing. Allele origin: germline.
Comment: This sequence change replaces arginine, which is basic and polar, with histidine, which is basic and polar, at codon 324 of the BUB1B protein (p.Arg324His). This variant is present in population databases (rs777880062, gnomAD 0.006%). This variant has not been reported in the literature in individuals affected with BUB1B-related conditions. ClinVar contains an entry for this variant (Variation ID: 1767972). An algorithm developed to predict the effect of missense changes on protein structure and function outputs the following: PolyPhen-2: "Benign". The histidine amino acid residue is found in multiple mammalian species, which suggests that this missense change does not adversely affect protein function. In summary, the available evidence is currently insufficient to determine the role of this variant in disease. Therefore, it has been classified as a Variant of Uncertain Significance.

Ambry Genetics
Classification: Likely benign for Inborn genetic diseases. Last evaluated: 2022-03-20. Review status: criteria provided, single submitter. Criteria: Ambry Variant Classification Scheme 2023. Collection method: clinical testing. Allele origin: germline.